The following is an entry in ClinVar:

NM_000404.4(GLB1):c.875C>G (p.Ser292Cys)

Gene: GLB1 (galactosidase beta 1; minus strand). Cytogenetic location: 3p22.3.
Variant type: single nucleotide variant.
Coding change: c.875C>G on transcript NM_000404.4 (MANE Select); coding-DNA position 875, C replaced by G.
Protein change: p.Ser292Cys; replaces serine 292 with cysteine.
Molecular consequence: missense variant.
Genome position (GRCh38, 1-based): chr3:33,051,922, G>C on the plus strand (C>G on the coding strand, the complement: GLB1 is on the minus strand). VCF-style: chr3-33051922-G-C. GRCh37 (hg19) VCF-style: chr3-33093414-G-C.
Other names: c.785C>G, p.Ser262Cys (NM_001079811.3); c.482C>G, p.Ser161Cys (NM_001135602.3); c.1019C>G, p.Ser340Cys (NM_001317040.2); c.875C>G, p.Ser292Cys (NM_001393580.1); short protein forms S262C, S340C, S161C, S292C.
Identifiers: ClinVar variation 858357 (VCV000858357.4), dbSNP rs368139032, ClinGen allele CA2299574.

ClinVar aggregate classification (germline): Uncertain significance. Review status: criteria provided, multiple submitters, no conflicts (2 of 4 stars). 2 submissions from 2 submitters: Uncertain significance (2). Last evaluated 2025-05-15.

Conditions:
Inborn genetic diseases. Identifiers: MedGen C0950123, MeSH D030342.
GM1 gangliosidosis. Identifiers: Orphanet 354, MedGen C0085131, MONDO:0018149.
Mucopolysaccharidosis, MPS-IV-B (MPS4B). Also called: Mucopolysaccharidosis type IV B; Mucopolysaccharidosis Type IVB (Morquio B Disease); Mucopolysaccharidosis type 4B; Mucopolysaccharidosis type IVB (Morquio); MPS IVB; Mucopolysaccharidosis Type IVB. Identifiers: Orphanet 309310, Orphanet 582, MedGen C0086652, MONDO:0009660, OMIM 253010.

Allele frequency attached by ClinVar (database versions not stated): gnomAD exomes 0.00001 and 0.00002; ExAC 0.00002; gnomAD 0.00007; ESP Exome Variant Server 0.00008; TOPMed 0.00011.
gnomAD v4.1: 24 of 1,614,104 alleles (0.0015%); highest among the groups gnomAD compares: African/African-American, 0.028%; no homozygotes.

Submissions (2):

Ambry Genetics
Classification: Uncertain significance for Inborn genetic diseases. Last evaluated: 2025-05-15. Review status: criteria provided, single submitter. Criteria: Ambry Variant Classification Scheme 2023. Collection method: clinical testing. Allele origin: germline.

Labcorp Genetics (formerly Invitae), Labcorp
Classification: Uncertain significance for Mucopolysaccharidosis, MPS-IV-B; GM1 gangliosidosis. Last evaluated: 2021-08-31. Review status: criteria provided, single submitter. Criteria: Invitae Variant Classification Sherloc (09022015). Collection method: clinical testing. Allele origin: germline.
Comment: This sequence change replaces serine with cysteine at codon 292 of the GLB1 protein (p.Ser292Cys). The serine residue is moderately conserved and there is a moderate physicochemical difference between serine and cysteine. This variant is present in population databases (rs368139032, ExAC 0.02%). This variant has not been reported in the literature in individuals affected with GLB1-related conditions. Algorithms developed to predict the effect of missense changes on protein structure and function are either unavailable or do not agree on the potential impact of this missense change (SIFT: "Deleterious"; PolyPhen-2: "Probably Damaging"; Align-GVGD: "Class C15"). In summary, the available evidence is currently insufficient to determine the role of this variant in disease. Therefore, it has been classified as a Variant of Uncertain Significance.